The following is an entry in ClinVar:

ClinVar aggregate classification (germline): Uncertain significance (1 of 4 stars; one submission).

gnomAD v4.1: 1 of 1,614,254 alleles (0.000062%); highest among the groups gnomAD compares: Non-Finnish European, 0.000085%; no homozygotes.

Submission:

Labcorp Genetics (formerly Invitae), Labcorp
Classification: Uncertain significance. Last evaluated: 2024-02-05. Review status: criteria provided, single submitter. Criteria: Invitae Variant Classification Sherloc (09022015). Collection method: clinical testing. Allele origin: germline.
Comment: This sequence change replaces threonine, which is neutral and polar, with arginine, which is basic and polar, at codon 40 of the TMEM107 protein (p.Thr40Arg). This variant is not present in population databases (gnomAD no frequency). This variant has not been reported in the literature in individuals affected with TMEM107-related conditions. ClinVar contains an entry for this variant (Variation ID: 1428302). Algorithms developed to predict the effect of missense changes on protein structure and function output the following: SIFT: "Not Available"; PolyPhen-2: "Benign"; Align-GVGD: "Not Available". The arginine amino acid residue is found in multiple mammalian species, which suggests that this missense change does not adversely affect protein function. In summary, the available evidence is currently insufficient to determine the role of this variant in disease. Therefore, it has been classified as a Variant of Uncertain Significance.

NM_183065.4(TMEM107):c.119C>G (p.Thr40Arg)

Genes: TMEM107 (transmembrane protein 107; minus strand), LOC105371520 (uncharacterized LOC105371520; plus strand). Cytogenetic location: 17p13.1.
Variant type: single nucleotide variant.
Coding change: c.119C>G on transcript NM_183065.4 (MANE Select); coding-DNA position 119, C replaced by G.
Protein change: p.Thr40Arg; replaces threonine 40 with arginine.
Molecular consequence: missense variant.
Genome position (GRCh38, 1-based): chr17:8,175,995, G>C on the plus strand (C>G on the coding strand, the complement: TMEM107 is on the minus strand). VCF-style: chr17-8175995-G-C. GRCh37 (hg19) VCF-style: chr17-8079313-G-C.
Other names: c.119C>G, p.Thr40Arg (NM_001351278.2, NM_001351279.2, NM_001351280.2 and 1 more transcripts); short protein forms T40R.
Identifiers: ClinVar variation 1428302 (VCV001428302.8), dbSNP rs762443312, ClinGen allele CA397971745.